The following is an entry in ClinVar:

ClinVar aggregate classification (germline): Uncertain significance (1 of 4 stars; one submission).

Conditions:
Noonan syndrome 9 (NS9). Identifiers: Orphanet 648, MedGen C4225282, MONDO:0014691, OMIM 616559.

Submission:

Labcorp Genetics (formerly Invitae), Labcorp
Classification: Uncertain significance for Noonan syndrome 9. Last evaluated: 2023-06-13. Review status: criteria provided, single submitter. Criteria: Invitae Variant Classification Sherloc (09022015). Collection method: clinical testing. Allele origin: germline.
Comment: In summary, the available evidence is currently insufficient to determine the role of this variant in disease. Therefore, it has been classified as a Variant of Uncertain Significance. Advanced modeling of protein sequence and biophysical properties (such as structural, functional, and spatial information, amino acid conservation, physicochemical variation, residue mobility, and thermodynamic stability) performed at Invitae indicates that this missense variant is expected to disrupt SOS2 protein function. This variant has not been reported in the literature in individuals affected with SOS2-related conditions. This variant is not present in population databases (gnomAD no frequency). This sequence change replaces proline, which is neutral and non-polar, with arginine, which is basic and polar, at codon 651 of the SOS2 protein (p.Pro651Arg).

NM_006939.4(SOS2):c.1952C>G (p.Pro651Arg)

Gene: SOS2 (SOS Ras/Rho guanine nucleotide exchange factor 2; minus strand). Cytogenetic location: 14q21.3.
Variant type: single nucleotide variant.
Coding change: c.1952C>G on transcript NM_006939.4 (MANE Select); coding-DNA position 1952, C replaced by G.
Protein change: p.Pro651Arg; replaces proline 651 with arginine.
Molecular consequence: missense variant.
Genome position (GRCh38, 1-based): chr14:50,157,104, G>C on the plus strand (C>G on the coding strand, the complement: SOS2 is on the minus strand). VCF-style: chr14-50157104-G-C. GRCh37 (hg19) VCF-style: chr14-50623822-G-C.
Other names: c.1853C>G, p.Pro618Arg (NM_001411020.1); short protein forms P651R, P618R.
Identifiers: ClinVar variation 2811525 (VCV002811525.3), dbSNP rs2502975200, ClinGen allele CA389644572.